The following is an entry in ClinVar:

ClinVar aggregate classification (germline): Pathogenic. Review status: criteria provided, multiple submitters, no conflicts (2 of 4 stars). 10 submissions from 10 submitters: Pathogenic (10). Last evaluated 2026-06-01.

Conditions:
Hereditary retinoblastoma. Identifiers: Orphanet 357027, MedGen C0751483, MONDO:0018160.
Hereditary cancer-predisposing syndrome. Also called: Tumor predisposition; Hereditary neoplastic syndrome; Neoplastic Syndromes, Hereditary; Hereditary Cancer Syndrome. Identifiers: Orphanet 140162, MedGen C0027672, MeSH D009386, MONDO:0015356.
Retinoblastoma (RB1). Also called: RETINOBLASTOMA, SOMATIC. Identifiers: Orphanet 790, MedGen C0035335, MeSH D012175, MONDO:0008380, OMIM 180200, HP:0009919. Disease mechanism: loss of function. Inheritance: Both sporadic and heritable forms are tested..

gnomAD v4.1: 1 of 1,603,300 alleles (0.000062%); highest among the groups gnomAD compares: Non-Finnish European, 0.000085%; no homozygotes.

Submissions (10):

CeGaT Center for Human Genetics Tuebingen
Classification: Pathogenic. Last evaluated: 2026-06-01. Review status: criteria provided, single submitter. Criteria: CeGaT Center For Human Genetics Tuebingen Variant Classification Criteria Version 2. Collection method: clinical testing. Allele origin: germline. Affected: yes. Observed: 1 variant allele.
Comment: RB1: PVS1, PS4, PM2

Diller/Parad Lab, Dana-Farber/Harvard Cancer Center
Classification: Pathogenic for Retinoblastoma. Last evaluated: 2026-05-29. Review status: criteria provided, single submitter. Criteria: ACMG Guidelines, 2015. Collection method: research. Allele origin: germline. Affected: yes. Observed: 4 variant alleles.
Comment: It has been classified as Pathogenic using Richards et al (PMID:25741868) based on the following evidence codes: PM2, PVS1, PP3, PP5.

Labcorp Genetics (formerly Invitae), Labcorp
Classification: Pathogenic for Retinoblastoma. Last evaluated: 2025-12-30. Review status: criteria provided, single submitter. Criteria: Invitae Variant Classification Sherloc (09022015). Collection method: clinical testing. Allele origin: germline.
Comment: This sequence change creates a premature translational stop signal (p.Arg320*) in the RB1 gene. It is expected to result in an absent or disrupted protein product. Loss-of-function variants in RB1 are known to be pathogenic (PMID: 17096365). This variant is not present in population databases (gnomAD no frequency). This premature translational stop signal has been observed in individual(s) with bilateral retinoblastoma and retinoblastoma (PMID: 7704558, 12541220, 15605413, 24225018, 24810223, 25754945, 28575107). In at least one individual the variant was observed to be de novo. Invitae Evidence Modeling of clinical and family history, age, sex, and reported ancestry of multiple individuals with this RB1 variant has been performed. This variant is expected to be pathogenic with a positive predictive value of at least 99%. This is a validated machine learning model that incorporates the clinical features of 413,071 individuals referred to our laboratory for RB1 testing. This variant is also known as g.64348C>T. ClinVar contains an entry for this variant (Variation ID: 126824). Algorithms developed to predict the effect of sequence changes on RNA splicing suggest that this variant may disrupt the consensus splice site. For these reasons, this variant has been classified as Pathogenic.

Ramesar Group, Division of Human Genetics, Institute of Infectious Diseases and Molecular Medicine, UCT/MRC Genomic and Precision Medicine Research Unit, University of Cape Town
Classification: Pathogenic for Hereditary retinoblastoma. Last evaluated: 2025-09-17. Review status: criteria provided, single submitter. Criteria: ACMG Guidelines, 2015. Collection method: research. Allele origin: germline. Affected: yes. Observed: 1 variant allele.
Comment: PVS1: Null variant (nonsense) in a gene (RB1) where LOF is a known mechanism of disease PM2: Absent from gnomAD and ExAC PP4: Patient presents with bilateral retinoblastoma PP5: Reported as pathogenic in ClinVar and the LOVD

Ambry Genetics
Classification: Pathogenic for Hereditary cancer-predisposing syndrome. Last evaluated: 2025-04-30. Review status: criteria provided, single submitter. Criteria: Ambry Variant Classification Scheme 2023. Collection method: clinical testing. Allele origin: germline.
Comment: The p.R320* pathogenic mutation (also known as c.958C>T), located in coding exon 10 of the RB1 gene, results from a C to T substitution at nucleotide position 958. This changes the amino acid from an arginine to a stop codon within coding exon 10. This mutation has been reported in numerous individuals affected with sporadic and familial retinoblastoma both bilaterally and unilaterally (Lohmann DR et al. Am. J. Hum. Genet. 1996 May;58(5):940-9; Richter S et al. Am. J. Hum. Genet. 2003 Feb;72(2):253-69; Alonso J et al. Hum. Mutat. 2005 Jan;25(1):99; Choy KW et al. Hum. Mutat. 2002 Nov;20(5):408; Houdayer C et al. Hum. Mutat. 2004 Feb; 23(2):193-202). This variant is considered to be rare based on population cohorts in the Genome Aggregation Database (gnomAD). In addition to the clinical data presented in the literature, this alteration is expected to result in loss of function by premature protein truncation or nonsense-mediated mRNA decay. As such, this alteration is interpreted as a disease-causing mutation.

Genetic Diagnostic Laboratory, University of Pennsylvania School of Medicine
Classification: Pathogenic for Retinoblastoma. Last evaluated: 2024-05-20. Review status: criteria provided, single submitter. Criteria: ACMG Guidelines, 2015. Collection method: clinical testing. Allele origin: germline. Affected: yes. Observed: 22 variant alleles.
Comment: Case and Pedigree Information: BILATERAL CASES:20, UNILATERAL CASES:2, TOTAL CASES:22, PEDIGREES:22. ACMG Codes Applied:PVS1, PM2, PS4S

GeneDx
Classification: Pathogenic. Last evaluated: 2023-03-22. Review status: criteria provided, single submitter. Criteria: GeneDx Variant Classification Process June 2021. Collection method: clinical testing. Allele origin: germline. Affected: yes.
Comment: Nonsense variant predicted to result in protein truncation or nonsense mediated decay in a gene for which loss-of-function is a known mechanism of disease; Not observed in large population cohorts (gnomAD); Observed in multiple individuals with retinoblastoma (Lohmann et al., 1996; Choy et al., 2002; Alonso et al., 2005; Sagi et al., 2015; Tomar et al., 2017); This variant is associated with the following publications: (PMID: 19280657, 34190019, 8651278, 12402348, 33493472, 7704558, 28575107, 25754945, 12541220, 15605413, 27983729, 14722923, 18840911, 34308366, 34294096, 33456302, 31772335, 34277001, 34645364, 35960463, 33318192)

Genetics and Molecular Pathology, SA Pathology
Classification: Pathogenic for Retinoblastoma. Last evaluated: 2023-03-22. Review status: criteria provided, single submitter. Criteria: ACMG Guidelines, 2015. Collection method: clinical testing. Allele origin: germline. Affected: yes.
Comment: The RB1 c.958C>T variant is classified as pathogenic (PVS1, PM6, PS4, PM2, PM3) The RB1 c.958C>T variant is a single nucleotide change which is predicted to result in premature termination of the protein product at codon 320 (PVS1). This variant has been identified as a de novo variant in at least four unrelated patients (PMID:33456302) (PM6). The variant has been widely reported in patients with retinoblastoma, both as germline, somatic and mosaic(PMID:33456302, PMID:28575107) (PS4). This variant is absent from population databases (PM2). This variant has been detected in trans with a somatic pathogenic variant (PMID:28575107) (PM3). The variant has been reported in dbSNP (rs121913300) and in the HGMD database as disease causing (CM941205). It has been reported as Pathogenic by other diagnostic laboratories (ClinVar Variation ID: 126824) and in the RB1 variant database (LOVD RB1-000072).

Institute for Genomic Medicine (IGM) Clinical Laboratory, Nationwide Children's Hospital
Classification: Pathogenic for Hereditary retinoblastoma. Last evaluated: 2023-03-20. Review status: criteria provided, single submitter. Criteria: ACMG Guidelines, 2015. Collection method: clinical testing. Allele origin: germline.
Comment: This variant is predicted to result in loss of function through nonsense-mediated decay of the encoded transcript or premature truncation of the encoded protein in a gene in which loss of function is a known mechanism of disease (ACMG/AMP: PVS1; PMIDs:8651278, 15605413, 22963398). This variant has been reported at an elevated frequency in affected individuals/in multiple affected individuals in the literature (ACMG/AMP: PS4; PMIDs:8651278, 12541220, 14722923, 15605413, 24810223, 28575107). This variant is absent from or present at an exceedingly low frequency in gnomAD, a large-scale control population database (ACMG/AMP: PM2).

Department of Pediatrics, Memorial Sloan Kettering Cancer Center
Classification: Pathogenic for Retinoblastoma. Last evaluated: 2020-12-15. Review status: criteria provided, single submitter. Criteria: ACMG Guidelines, 2015. Collection method: research. Allele origin: germline. Affected: yes.

Literature cited by the submitters: PubMed 17096365 (cited by Labcorp Genetics (formerly Invitae), Labcorp); PubMed 7704558 (cited by Labcorp Genetics (formerly Invitae), Labcorp and Ambry Genetics); PubMed 12541220 (cited by 3 submitters); PubMed 15605413 (cited by 3 submitters); PubMed 24225018 (cited by Labcorp Genetics (formerly Invitae), Labcorp); PubMed 24810223 (cited by Labcorp Genetics (formerly Invitae), Labcorp and Institute for Genomic Medicine (IGM) Clinical Laboratory, Nationwide Children's Hospital); PubMed 25754945 (cited by Labcorp Genetics (formerly Invitae), Labcorp); PubMed 28575107 (cited by 3 submitters); PubMed 12402348 (cited by Ambry Genetics); PubMed 14722923 (cited by Ambry Genetics and Institute for Genomic Medicine (IGM) Clinical Laboratory, Nationwide Children's Hospital); PubMed 25525159 (cited by Ambry Genetics); PubMed 27983729 (cited by Ambry Genetics); PubMed 8651278 (cited by Ambry Genetics and Institute for Genomic Medicine (IGM) Clinical Laboratory, Nationwide Children's Hospital); PubMed 33456302 (cited by Genetics and Molecular Pathology, SA Pathology); PubMed 22963398 (cited by Institute for Genomic Medicine (IGM) Clinical Laboratory, Nationwide Children's Hospital); PubMed 28873162 (cited by Department of Pediatrics, Memorial Sloan Kettering Cancer Center).

NM_000321.3(RB1):c.958C>T (p.Arg320Ter)

Gene: RB1 (RB transcriptional corepressor 1; plus strand). Cytogenetic location: 13q14.2.
Variant type: single nucleotide variant.
Coding change: c.958C>T on transcript NM_000321.3 (MANE Select); coding-DNA position 958, C replaced by T.
Protein change: p.Arg320Ter; replaces arginine 320 with a stop codon.
Molecular consequence: nonsense.
Genome position (GRCh38, 1-based): chr13:48,367,512, C>T. VCF-style: chr13-48367512-C-T. GRCh37 (hg19) VCF-style: chr13-48941648-C-T.
Other names: L11910:g.64348C>T; short protein forms R320*.
Identifiers: ClinVar variation 126824 (VCV000126824.26), dbSNP rs121913300, ClinGen allele CA026470.
Genomic context (GRCh38, chr13:48,367,512, plus strand): 5'-TGACATGTAAAGGATAATTGTCAGTGACTTTTTTCTTTCAAGGTTGAAAATCTTTCTAAA[C>T]GATACGAAGAAATTTATCTTAAAAATAAAGATCTAGATGCAAGATTATTTTTGGATCATG-3'